The following is an entry in ClinVar:

NM_002528.7(NTHL1):c.382C>A (p.Leu128Met)

Gene: NTHL1 (nth like DNA glycosylase 1; minus strand). Cytogenetic location: 16p13.3.
Variant type: single nucleotide variant.
Coding change: c.382C>A on transcript NM_002528.7 (MANE Select); coding-DNA position 382, C replaced by A.
Protein change: p.Leu128Met; replaces leucine 128 with methionine.
Molecular consequence: missense variant. On other transcripts: intron variant (1).
Genome position (GRCh38, 1-based): chr16:2,044,773, G>T on the plus strand (C>A on the coding strand, the complement: NTHL1 is on the minus strand). VCF-style: chr16-2044773-G-T. GRCh37 (hg19) VCF-style: chr16-2094774-G-T.
Other names: c.52C>A, p.Leu18Met (NM_001318194.2); c.355-1047C>A (NM_001318193.2); short protein forms L128M, L18M.
Identifiers: ClinVar variation 1399757 (VCV001399757.6), dbSNP rs1433716256, ClinGen allele CA394294681.
Genomic context (GRCh38, chr16:2,044,773, plus strand): 5'-CCCGCAGTCGCTGCATGGCGCCCGCCGTCACCTGGTCTTTGGTTTGGCTGGAGAGCATCA[G>T]TGACAGCAGCACCTGGTACCTGCGTACCTGCTTGTGCAGTGACAGGGACCGGGGTGGCGG-3'
Protein context (NP_002519.2, residues 118-138): KVRRYQVLLS[Leu128Met]MLSSQTKDQV

ClinVar aggregate classification (germline): Uncertain significance (1 of 4 stars; one submission).

Allele frequency attached by ClinVar (database versions not stated): gnomAD 0.00001.

Submission:

Labcorp Genetics (formerly Invitae), Labcorp
Classification: Uncertain significance. Last evaluated: 2021-03-24. Review status: criteria provided, single submitter. Criteria: Invitae Variant Classification Sherloc (09022015). Collection method: clinical testing. Allele origin: germline.
Comment: Algorithms developed to predict the effect of missense changes on protein structure and function are either unavailable or do not agree on the potential impact of this missense change (SIFT: "Not Available"; PolyPhen-2: "Probably Damaging"; Align-GVGD: "Not Available"). This sequence change replaces leucine with methionine at codon 136 of the NTHL1 protein (p.Leu136Met). The leucine residue is highly conserved and there is a small physicochemical difference between leucine and methionine. This variant is not present in population databases (ExAC no frequency). This variant has not been reported in the literature in individuals with NTHL1-related conditions. In summary, the available evidence is currently insufficient to determine the role of this variant in disease. Therefore, it has been classified as a Variant of Uncertain Significance.